The following is an entry in ClinVar:

ClinVar aggregate classification (germline): Pathogenic. Review status: reviewed by expert panel (3 of 4 stars). 6 submissions from 6 submitters: Pathogenic (1). 5 of the submissions do not count toward it. Last evaluated 2016-09-08.

Conditions:
Breast-ovarian cancer, familial, susceptibility to, 1 (BROVCA1). Also called: BRCA1 Hereditary Breast and Ovarian Cancer; OVARIAN CANCER, SUSCEPTIBILITY TO. Identifiers: Orphanet 145, MedGen C2676676, MONDO:0011450, OMIM 604370. Disease mechanism: loss of function.
Hereditary cancer-predisposing syndrome. Also called: Hereditary Cancer Syndrome; Neoplastic Syndromes, Hereditary; Hereditary neoplastic syndrome; Tumor predisposition. Identifiers: Orphanet 140162, MedGen C0027672, MeSH D009386, MONDO:0015356.

Submissions (6):

Evidence-based Network for the Interpretation of Germline Mutant Alleles (ENIGMA)
Classification: Pathogenic for Breast-ovarian cancer, familial, susceptibility to, 1. Last evaluated: 2016-09-08. Review status: reviewed by expert panel. Criteria: ENIGMA BRCA1/2 Classification Criteria (2015). Collection method: curation. Allele origin: germline.
Comment: Variant allele predicted to encode a truncated non-functional protein.

Ambry Genetics
Classification: Pathogenic for Hereditary cancer-predisposing syndrome. Last evaluated: 2023-10-13. Review status: criteria provided, single submitter. Criteria: Ambry Variant Classification Scheme 2023. Collection method: clinical testing. Allele origin: germline. Not counted in ClinVar's aggregate classification.
Comment: The c.1579_1580delAA pathogenic mutation, located in coding exon 9 of the BRCA1 gene, results from a deletion of two nucleotides at nucleotide positions 1579 to 1580, causing a translational frameshift with a predicted alternate stop codon (p.K527Dfs*3). This alteration has been previously reported in at least 2 patients in association with hereditary breast and/or ovarian cancer (Rebbeck TR et al. Hum. Mutat. 2018 05;39:593-620; Li JY et al. Int. J. Cancer. 2019 01;144:281-289). In addition to the clinical data presented in the literature, this alteration is expected to result in loss of function by premature protein truncation or nonsense-mediated mRNA decay. As such, this alteration is interpreted as a disease-causing mutation.

Color Diagnostics, LLC DBA Color Health
Classification: Pathogenic for Hereditary cancer-predisposing syndrome. Last evaluated: 2020-12-28. Review status: criteria provided, single submitter. Criteria: ACMG Guidelines, 2015. Collection method: clinical testing. Allele origin: germline. Not counted in ClinVar's aggregate classification.
Comment: This variant deletes 2 nucleotides in exon 10 of the BRCA1 gene, creating a frameshift and premature translation stop signal. This variant is expected to result in an absent or non-functional protein product. To our knowledge, functional studies have not been reported for this variant. This variant has been observed in an individual affected with breast cancer (PMID: 29752822) and a suspected hereditary breast and ovarian cancer family (PMID: 29446198). This variant has been identified in 1/250470 chromosomes in the general population by the Genome Aggregation Database (gnomAD). Loss of BRCA1 function is a known mechanism of disease. Based on the available evidence, this variant is classified as Pathogenic.

Institute of Medical Genetics and Applied Genomics, University Hospital Tübingen
Classification: Pathogenic. Last evaluated: 2020-10-23. Review status: criteria provided, single submitter. Criteria: ACMG Guidelines, 2015. Collection method: clinical testing. Allele origin: germline. Inheritance: Unknown mechanism. Affected: yes. Not counted in ClinVar's aggregate classification.

Consortium of Investigators of Modifiers of BRCA1/2 (CIMBA), c/o University of Cambridge
Classification: Pathogenic for Breast-ovarian cancer, familial, susceptibility to, 1. Last evaluated: 2015-10-02. Review status: criteria provided, single submitter. Criteria: CIMBA Mutation Classification guidelines May 2016. Collection method: clinical testing. Allele origin: germline. Not counted in ClinVar's aggregate classification.

Sharing Clinical Reports Project (SCRP)
Classification: Pathogenic for Breast-ovarian cancer, familial 1. Last evaluated: 2007-06-22. Review status: no assertion criteria provided. Collection method: clinical testing. Allele origin: germline. Not counted in ClinVar's aggregate classification.

Literature cited by the submitters: PubMed 29446198 (cited by Ambry Genetics); PubMed 29752822 (cited by Ambry Genetics).

NM_007294.4(BRCA1):c.1579_1580del (p.Lys527fs)

Gene: BRCA1 (BRCA1 DNA repair associated; minus strand). Cytogenetic location: 17q21.31.
Variant type: Deletion.
Coding change: c.1579_1580del on transcript NM_007294.4 (MANE Select); coding-DNA positions 1579 to 1580, 2 bases deleted (AA; older notation c.1579_1580delAA).
Protein change: p.Lys527fs; shifts the reading frame from lysine 527.
Molecular consequence: frameshift variant. On other transcripts: intron variant (137).
Genome position (GRCh38, 1-based): chr17:43,093,951-43,093,952, TT deleted on the plus strand (AA on the coding strand, the reverse complement: BRCA1 is on the minus strand); deleting any 2 consecutive bases within chr17:43,093,951-43,093,954 gives the same sequence; the c. name uses the placement nearest the transcript's 3' end. VCF-style (leftmost placement, unchanged base first): chr17-43093950-CTT-C. GRCh37 (hg19) VCF-style: chr17-41245967-CTT-C.
Other names: 1698delAA; c.1579_1580delAA (NM_007294.3); c.1501_1502del, p.Lys501fs (NM_001407656.1, NM_001407657.1, NM_001407658.1 and 4 more transcripts); c.1579_1580del, p.Lys527fs (NM_001407585.1, NM_001407593.1, NM_001407594.1 and 30 more transcripts); c.1576_1577del, p.Lys526fs (NM_001407587.1, NM_001407590.1, NM_001407591.1 and 22 more transcripts); c.1498_1499del, p.Lys500fs (NM_001407659.1, NM_001407660.1, NM_001407661.1 and 1 more transcripts); c.1453_1454del, p.Lys485fs (NM_001407673.1, NM_001407691.1, NM_001407941.1 and 11 more transcripts); c.1456_1457del, p.Lys486fs (NM_001407674.1, NM_001407675.1, NM_001407676.1 and 19 more transcripts); and 42 more; short protein forms K480fs, K527fs, K438fs, K399fs, K400fs, K416fs, K439fs, K456fs.
Identifiers: ClinVar variation 96902 (VCV000096902.14), dbSNP rs431825387, ClinGen allele CA001055.
Genomic context (GRCh38, chr17:43,093,950, plus strand): 5'-ATTCATCACTTGACCATTCTGCTCCGTTTGGTTAGTTCCCTGATTTATCATTTCAGGAGT[CTT>C]TTGAACTGCCAAATCTGCTTTCTTGATAAAATCCTCAGGATGAAGGCCTGATGTAGGTCT-3'